The following is an entry in ClinVar:

NM_001372.4(DNAH9):c.8761del (p.Asn2920_Val2921insTer)

Gene: DNAH9 (dynein axonemal heavy chain 9; plus strand). Cytogenetic location: 17p12.
Variant type: Deletion.
Coding change: c.8761del on transcript NM_001372.4 (MANE Select); coding-DNA position 8761, one base deleted (G; older notation c.8761delG).
Protein change: p.Asn2920_Val2921insTer.
Molecular consequence: nonsense.
Genome position (GRCh38, 1-based): chr17:11,821,973, G deleted. VCF-style (leftmost placement, unchanged base first): chr17-11821972-TG-T. GRCh37 (hg19) VCF-style: chr17-11725289-TG-T.
Identifiers: ClinVar variation 4978177 (VCV004978177.1).

ClinVar aggregate classification (germline): Likely pathogenic (1 of 4 stars; one submission).

Conditions:
DNAH9-related disorder. Also called: DNAH9-related condition.

Submission:

PreventionGenetics, part of Exact Sciences
Classification: Likely pathogenic for DNAH9-related condition. Last evaluated: 2025-09-27. Review status: criteria provided, single submitter. Criteria: ACMG Guidelines, 2015. Collection method: clinical testing. Allele origin: germline.
Comment: The DNAH9 c.8761delG variant is predicted to result in premature protein termination (p.Val2921*). To our knowledge, this variant has not been reported in the literature. This variant is reported in 0.0018% of alleles in individuals of European (Non-Finnish) descent in gnomAD. Frameshift variants in DNAH9 are expected to be pathogenic. This variant is interpreted as likely pathogenic.